The following is an entry in ClinVar:

NM_004320.6(ATP2A1):c.328C>T (p.Arg110Trp)

Gene: ATP2A1 (ATPase sarcoplasmic/endoplasmic reticulum Ca2+ transporting 1; plus strand). Cytogenetic location: 16p11.2.
Variant type: single nucleotide variant.
Coding change: c.328C>T on transcript NM_004320.6 (MANE Select); coding-DNA position 328, C replaced by T.
Protein change: p.Arg110Trp; replaces arginine 110 with tryptophan.
Molecular consequence: missense variant. On other transcripts: 5 prime UTR variant (1).
Genome position (GRCh38, 1-based): chr16:28,882,454, C>T. VCF-style: chr16-28882454-C-T. GRCh37 (hg19) VCF-style: chr16-28893775-C-T.
Other names: c.-48C>T (NM_001286075.2); c.328C>T, p.Arg110Trp (NM_173201.5); c.328C>T (NM_173201.4); short protein forms R110W.
Identifiers: ClinVar variation 639338 (VCV000639338.13), dbSNP rs368388257, ClinGen allele CA7986624.
Genomic context (GRCh38, chr16:28,882,454, plus strand): 5'-AACTCCATAACTCTGCCTCCTGTGTATAACCCTGCCTCCTCCACCCTGTCTCCTCAGGAG[C>T]GGAACGCAGAGAACGCCATCGAGGCCCTGAAGGAGTATGAGCCAGAGATGGGGAAGGTCT-3'
Protein context (NP_004311.1, residues 100-120): ANAIVGVWQE[Arg110Trp]NAENAIEALK

ClinVar aggregate classification (germline): Uncertain significance. Review status: criteria provided, multiple submitters, no conflicts (2 of 4 stars). 5 submissions from 5 submitters: Uncertain significance (5). Last evaluated 2026-03-16.

Conditions:
Brody myopathy. Also called: BRODY DISEASE. Identifiers: Orphanet 53347, MedGen C1832918, MONDO:0010977, OMIM 601003.
Inborn genetic diseases. Identifiers: MedGen C0950123, MeSH D030342.

Allele frequency attached by ClinVar (database versions not stated): ExAC 0.00002; gnomAD 0.00003 and 0.00004; gnomAD exomes 0.00003; TOPMed 0.00003; ESP Exome Variant Server 0.00008.

Submissions (5):

GeneDx
Classification: Uncertain significance. Last evaluated: 2026-03-16. Review status: criteria provided, single submitter. Criteria: GeneDx Variant Classification Process June 2021. Collection method: clinical testing. Allele origin: germline.
Comment: Not observed at significant frequency in large population cohorts (gnomAD); In silico analysis supports that this missense variant has a deleterious effect on protein structure/function; This variant is associated with the following publications: (PMID: 25794154)

Labcorp Genetics (formerly Invitae), Labcorp
Classification: Uncertain significance for Brody myopathy. Last evaluated: 2022-08-16. Review status: criteria provided, single submitter. Criteria: Invitae Variant Classification Sherloc (09022015). Collection method: clinical testing. Allele origin: germline.
Comment: This sequence change replaces arginine, which is basic and polar, with tryptophan, which is neutral and slightly polar, at codon 110 of the ATP2A1 protein (p.Arg110Trp). This variant is present in population databases (rs368388257, gnomAD 0.008%). This variant has not been reported in the literature in individuals affected with ATP2A1-related conditions. ClinVar contains an entry for this variant (Variation ID: 639338). Algorithms developed to predict the effect of missense changes on protein structure and function are either unavailable or do not agree on the potential impact of this missense change (SIFT: "Deleterious"; PolyPhen-2: "Possibly Damaging"; Align-GVGD: "Class C0"). In summary, the available evidence is currently insufficient to determine the role of this variant in disease. Therefore, it has been classified as a Variant of Uncertain Significance.

Ambry Genetics
Classification: Uncertain significance for Inborn genetic diseases. Last evaluated: 2021-10-26. Review status: criteria provided, single submitter. Criteria: Ambry Variant Classification Scheme 2023. Collection method: clinical testing. Allele origin: germline.

Revvity Omics, Revvity
Classification: Uncertain significance for Brody myopathy. Last evaluated: 2020-11-20. Review status: criteria provided, single submitter. Criteria: ACMG Guidelines, 2015. Collection method: clinical testing. Allele origin: germline.

Illumina Laboratory Services, Illumina
Classification: Uncertain significance for Brody myopathy. Last evaluated: 2018-01-12. Review status: criteria provided, single submitter. Criteria: ICSL Variant Classification Criteria 13 December 2019. Collection method: clinical testing. Allele origin: germline.